The following is an entry in ClinVar:

NM_006231.4(POLE):c.2458A>C (p.Met820Leu)

Gene: POLE (DNA polymerase epsilon, catalytic subunit; minus strand). Cytogenetic location: 12q24.33.
Variant type: single nucleotide variant.
Coding change: c.2458A>C on transcript NM_006231.4 (MANE Select); coding-DNA position 2458, A replaced by C.
Protein change: p.Met820Leu; replaces methionine 820 with leucine.
Molecular consequence: missense variant.
Genome position (GRCh38, 1-based): chr12:132,665,312, T>G on the plus strand (A>C on the coding strand, the complement: POLE is on the minus strand). VCF-style: chr12-132665312-T-G. GRCh37 (hg19) VCF-style: chr12-133241898-T-G.
Other names: c.2458A>C (NM_006231.2); short protein forms M820L.
Identifiers: ClinVar variation 1019124 (VCV001019124.9), dbSNP rs2042768543, ClinGen allele CA387396918.
Genomic context (GRCh38, chr12:132,665,312, plus strand): 5'-GGACTCATCCATTCCTCCCATAAGCCTCTCCCGGGCCCGGGCCCACCTACCCCTTGCGCA[T>G]GACATAGCCATAGAAGGAGTTCAGGATGCACTTGTGGGCCAGCTGCAGCGAGTCATACAG-3'
Protein context (NP_006222.2, residues 810-830): CILNSFYGYV[Met820Leu]RKGARWYSME

ClinVar aggregate classification (germline): Uncertain significance. Review status: criteria provided, multiple submitters, no conflicts (2 of 4 stars). 2 submissions from 2 submitters: Uncertain significance (2). Last evaluated 2025-09-07.

Conditions:
Hereditary cancer-predisposing syndrome. Also called: Tumor predisposition; Neoplastic Syndromes, Hereditary; Hereditary neoplastic syndrome; Hereditary Cancer Syndrome. Identifiers: Orphanet 140162, MedGen C0027672, MeSH D009386, MONDO:0015356.

Submissions (2):

Ambry Genetics
Classification: Uncertain significance for Hereditary cancer-predisposing syndrome. Last evaluated: 2025-09-07. Review status: criteria provided, single submitter. Criteria: Ambry Variant Classification Scheme 2023. Collection method: clinical testing. Allele origin: germline.
Comment: The p.M820L variant (also known as c.2458A>C), located in coding exon 21 of the POLE gene, results from an A to C substitution at nucleotide position 2458. The methionine at codon 820 is replaced by leucine, an amino acid with highly similar properties. This amino acid position is highly conserved in available vertebrate species. In addition, the in silico prediction for this alteration is inconclusive. Based on the available evidence, the clinical significance of this variant remains unclear.

Labcorp Genetics (formerly Invitae), Labcorp
Classification: Uncertain significance. Last evaluated: 2025-05-05. Review status: criteria provided, single submitter. Criteria: Invitae Variant Classification Sherloc (09022015). Collection method: clinical testing. Allele origin: germline.
Comment: This sequence change replaces methionine, which is neutral and non-polar, with leucine, which is neutral and non-polar, at codon 820 of the POLE protein (p.Met820Leu). This variant is not present in population databases (gnomAD no frequency). This variant has not been reported in the literature in individuals affected with POLE-related conditions. ClinVar contains an entry for this variant (Variation ID: 1019124). Invitae Evidence Modeling of protein sequence and biophysical properties (such as structural, functional, and spatial information, amino acid conservation, physicochemical variation, residue mobility, and thermodynamic stability) indicates that this missense variant is expected to disrupt POLE protein function with a positive predictive value of 80%. In summary, the available evidence is currently insufficient to determine the role of this variant in disease. Therefore, it has been classified as a Variant of Uncertain Significance.